The following is an entry in ClinVar:

ClinVar aggregate classification (germline): Likely pathogenic (1 of 4 stars; one submission).

Conditions:
Orofacial cleft 6, susceptibility to (OFC6). Also called: CLEFT LIP WITH OR WITHOUT CLEFT PALATE, NONSYNDROMIC, 6. Identifiers: MedGen C1837213, MONDO:0012141, OMIM 608864.
Popliteal pterygium syndrome (PPS). Identifiers: Orphanet 294963, MedGen C0265259, MONDO:0017435.
Van der Woude syndrome. Identifiers: Orphanet 888, MedGen C0175697, MONDO:0019508.

Submission:

Labcorp Genetics (formerly Invitae), Labcorp
Classification: Likely pathogenic for Orofacial cleft 6, susceptibility to; Van der Woude syndrome; Popliteal pterygium syndrome. Last evaluated: 2021-02-03. Review status: criteria provided, single submitter. Criteria: Invitae Variant Classification Sherloc (09022015). Collection method: clinical testing. Allele origin: germline.
Comment: In summary, the currently available evidence indicates that the variant is pathogenic, but additional data are needed to prove that conclusively. Therefore, this variant has been classified as Likely Pathogenic. This variant disrupts the p.Ser90 amino acid residue in IRF6. Other variant(s) that disrupt this residue have been observed in individuals with IRF6-related conditions (PMID: 12219090, 19282774), which suggests that this may be a clinically significant amino acid residue. Advanced modeling of protein sequence and biophysical properties (such as structural, functional, and spatial information, amino acid conservation, physicochemical variation, residue mobility, and thermodynamic stability) performed at Invitae indicates that this missense variant is expected to disrupt IRF6 protein function. This variant has been observed in individual(s) with clinical features of popliteal pterygium syndrome (Invitae). This variant is not present in population databases (ExAC no frequency). This sequence change replaces serine with threonine at codon 90 of the IRF6 protein (p.Ser90Thr). The serine residue is highly conserved and there is a small physicochemical difference between serine and threonine.

Literature cited by the submitters: PubMed 12219090; PubMed 19282774.

NM_006147.4(IRF6):c.269G>C (p.Ser90Thr)

Gene: IRF6 (interferon regulatory factor 6; minus strand). Cytogenetic location: 1q32.2.
Variant type: single nucleotide variant.
Coding change: c.269G>C on transcript NM_006147.4 (MANE Select); coding-DNA position 269, G replaced by C.
Protein change: p.Ser90Thr; replaces serine 90 with threonine.
Molecular consequence: missense variant. On other transcripts: 5 prime UTR variant (1).
Genome position (GRCh38, 1-based): chr1:209,796,458, C>G on the plus strand (G>C on the coding strand, the complement: IRF6 is on the minus strand). VCF-style: chr1-209796458-C-G. GRCh37 (hg19) VCF-style: chr1-209969803-C-G.
Other names: c.-17G>C (NM_001206696.2); short protein forms S90T.
Identifiers: ClinVar variation 1507060 (VCV001507060.8), dbSNP rs2102542857, ClinGen allele CA344583204.